The following is an entry in ClinVar:

ClinVar aggregate classification (germline): Uncertain significance (1 of 4 stars; one submission).

Conditions:
RASopathy. Also called: Noonan spectrum disorder; rasopathies. Identifiers: Orphanet 536391, MedGen C5555857, MONDO:0021060.

Submission:

Labcorp Genetics (formerly Invitae), Labcorp
Classification: Uncertain significance for RASopathy. Last evaluated: 2023-01-23. Review status: criteria provided, single submitter. Criteria: Invitae Variant Classification Sherloc (09022015). Collection method: clinical testing. Allele origin: germline.
Comment: This sequence change replaces glutamic acid, which is acidic and polar, with glutamine, which is neutral and polar, at codon 532 of the PTPN11 protein (p.Glu532Gln). This variant is not present in population databases (gnomAD no frequency). This variant has not been reported in the literature in individuals affected with PTPN11-related conditions. Advanced modeling of protein sequence and biophysical properties (such as structural, functional, and spatial information, amino acid conservation, physicochemical variation, residue mobility, and thermodynamic stability) has been performed at Invitae for this missense variant, however the output from this modeling did not meet the statistical confidence thresholds required to predict the impact of this variant on PTPN11 protein function. In summary, the available evidence is currently insufficient to determine the role of this variant in disease. Therefore, it has been classified as a Variant of Uncertain Significance.

NM_002834.5(PTPN11):c.1594G>C (p.Glu532Gln)

Gene: PTPN11 (protein tyrosine phosphatase non-receptor type 11; plus strand). Cytogenetic location: 12q24.13.
Variant type: single nucleotide variant.
Coding change: c.1594G>C on transcript NM_002834.5 (MANE Select); coding-DNA position 1594, G replaced by C.
Protein change: p.Glu532Gln; replaces glutamic acid 532 with glutamine.
Molecular consequence: missense variant.
Genome position (GRCh38, 1-based): chr12:112,489,170, G>C. VCF-style: chr12-112489170-G-C. GRCh37 (hg19) VCF-style: chr12-112926974-G-C.
Other names: c.1606G>C, p.Glu536Gln (NM_001330437.2); c.1591G>C, p.Glu531Gln (NM_001374625.1); short protein forms E532Q, E531Q, E536Q.
Identifiers: ClinVar variation 2905852 (VCV002905852.3), dbSNP rs587778634, ClinGen allele CA386780192.